The following is an entry in ClinVar:

ClinVar aggregate classification (germline): Uncertain significance (1 of 4 stars; one submission).

Allele frequency attached by ClinVar (database versions not stated): gnomAD exomes below 0.00001.
gnomAD v4.1: 4 of 1,604,096 alleles (0.00025%); highest among the groups gnomAD compares: South Asian, 0.0034%; no homozygotes.

Submission:

Ambry Genetics
Classification: Uncertain significance. Last evaluated: 2021-06-18. Review status: criteria provided, single submitter. Criteria: Ambry Variant Classification Scheme 2023. Collection method: clinical testing. Allele origin: germline.
Comment: The p.E332K variant (also known as c.994G>A), located in coding exon 11 of the PRKDC gene, results from a G to A substitution at nucleotide position 994. The glutamic acid at codon 332 is replaced by lysine, an amino acid with similar properties. This amino acid position is conserved. In addition, this alteration is predicted to be tolerated by in silico analysis. Since supporting evidence is limited at this time, the clinical significance of this alteration remains unclear.

NM_006904.7(PRKDC):c.994G>A (p.Glu332Lys)

Gene: PRKDC (protein kinase, DNA-activated, catalytic subunit; minus strand). Cytogenetic location: 8q11.21.
Variant type: single nucleotide variant.
Coding change: c.994G>A on transcript NM_006904.7 (MANE Select); coding-DNA position 994, G replaced by A.
Protein change: p.Glu332Lys; replaces glutamic acid 332 with lysine.
Molecular consequence: missense variant.
Genome position (GRCh38, 1-based): chr8:47,939,670, C>T on the plus strand (G>A on the coding strand, the complement: PRKDC is on the minus strand). VCF-style: chr8-47939670-C-T. GRCh37 (hg19) VCF-style: chr8-48852230-C-T.
Other names: c.994G>A, p.Glu332Lys (NM_001081640.2); short protein forms E332K.
Identifiers: ClinVar variation 1768702 (VCV001768702.2), dbSNP rs2090409874, ClinGen allele CA371166820.